The following is an entry in ClinVar:

ClinVar aggregate classification (germline): Likely benign. Review status: criteria provided, single submitter (1 of 4 stars). 2 submissions from 2 submitters: Likely benign (1). 1 of the submissions does not count toward it. Last evaluated 2021-07-09.

Conditions:
Inborn genetic diseases. Identifiers: MedGen C0950123, MeSH D030342.
ATN1-related disorder. Also called: ATN1-related condition; ATN1-related disorders.

Allele frequency attached by ClinVar (database versions not stated): 1000 Genomes Project 30x 0.00031; 1000 Genomes Project 0.00040; gnomAD 0.00083; ESP Exome Variant Server 0.00092; TOPMed 0.00101.
gnomAD v4.1: 228 of 1,609,874 alleles (0.014%); highest among the groups gnomAD compares: African/African-American, 0.27%; 1 homozygote.

Submissions (2):

Ambry Genetics
Classification: Likely benign for Inborn genetic diseases. Last evaluated: 2021-07-09. Review status: criteria provided, single submitter. Criteria: Ambry Variant Classification Scheme 2023. Collection method: clinical testing. Allele origin: germline.

PreventionGenetics, part of Exact Sciences
Classification: Likely benign for ATN1-related condition. Last evaluated: 2019-09-10. Review status: no assertion criteria provided. Collection method: clinical testing. Allele origin: germline. Not counted in ClinVar's aggregate classification.
Comment: This variant is classified as likely benign based on ACMG/AMP sequence variant interpretation guidelines (Richards et al. 2015 PMID: 25741868, with internal and published modifications).

NM_001940.4(ATN1):c.644C>T (p.Pro215Leu)

Gene: ATN1 (atrophin 1; plus strand). Cytogenetic location: 12p13.31.
Variant type: single nucleotide variant.
Coding change: c.644C>T on transcript NM_001940.4 (MANE Select); coding-DNA position 644, C replaced by T.
Protein change: p.Pro215Leu; replaces proline 215 with leucine.
Molecular consequence: missense variant.
Genome position (GRCh38, 1-based): chr12:6,935,911, C>T. VCF-style: chr12-6935911-C-T. GRCh37 (hg19) VCF-style: chr12-7045074-C-T.
Other names: c.644C>T, p.Pro215Leu (NM_001007026.2, NM_001424176.1, NM_001424177.1 and 2 more transcripts); c.641C>T, p.Pro214Leu (NM_001424179.1, NM_001424180.1, NM_001424182.1); short protein forms P214L, P215L.
Identifiers: ClinVar variation 3040448 (VCV003040448.3), dbSNP rs139874082, ClinGen allele CA6420420.